The following is an entry in ClinVar:

ClinVar aggregate classification (germline): Uncertain significance. Review status: criteria provided, multiple submitters, no conflicts (2 of 4 stars). 3 submissions from 3 submitters: Uncertain significance (3). Last evaluated 2023-10-17.

Conditions:
Developmental and epileptic encephalopathy, 18 (DEE18). Also called: Early infantile epileptic encephalopathy 18. Identifiers: Orphanet 369894, MedGen C3809624, MONDO:0014201, OMIM 615476.

Allele frequency attached by ClinVar (database versions not stated): gnomAD exomes 0.00002 and 0.00012; gnomAD 0.00003 and 0.00004; TOPMed 0.00006; ExAC 0.00012; 1000 Genomes Project 0.00040; 1000 Genomes Project 30x 0.00062.
gnomAD v4.1: 32 of 1,612,834 alleles (0.002%); highest among the groups gnomAD compares: East Asian, 0.058%; no homozygotes.

Submissions (3):

Women's Health and Genetics/Laboratory Corporation of America, LabCorp
Classification: Uncertain significance. Last evaluated: 2023-10-17. Review status: criteria provided, single submitter. Criteria: LabCorp Variant Classification Summary - May 2015. Collection method: clinical testing. Allele origin: germline.
Comment: Variant summary: C1orf84 c.3995+4A>G alters a conserved nucleotide located close to a canonical splice site and therefore could affect mRNA splicing, leading to a significantly altered protein sequence. Several computational tools predict a significant impact on normal splicing: Three predict the variant weakens a 5' donor site. However, these predictions have yet to be confirmed by functional studies. To our knowledge, no occurrence of c.3995+4A>G in individuals affected with Early Infantile Epileptic Encephalopathy 18 and no experimental evidence demonstrating its impact on protein function have been reported. One submitter has cited clinical-significance assessments for this variant to ClinVar after 2014 and has classified the variant as uncertain significance. Based on the evidence outlined above, the variant was classified as uncertain significance.

Genome-Nilou Lab
Classification: Uncertain significance for Developmental and epileptic encephalopathy, 18. Last evaluated: 2023-04-11. Review status: criteria provided, single submitter. Criteria: ACMG Guidelines, 2015. Collection method: clinical testing. Allele origin: germline. Affected: no.

Labcorp Genetics (formerly Invitae), Labcorp
Classification: Uncertain significance. Last evaluated: 2022-06-13. Review status: criteria provided, single submitter. Criteria: Invitae Variant Classification Sherloc (09022015). Collection method: clinical testing. Allele origin: germline.
Comment: This sequence change falls in intron 27 of the SZT2 gene. It does not directly change the encoded amino acid sequence of the SZT2 protein. It affects a nucleotide within the consensus splice site. This variant is present in population databases (rs184298720, gnomAD 0.1%). This variant has not been reported in the literature in individuals affected with SZT2-related conditions. ClinVar contains an entry for this variant (Variation ID: 851306). Variants that disrupt the consensus splice site are a relatively common cause of aberrant splicing (PMID: 17576681, 9536098). Algorithms developed to predict the effect of sequence changes on RNA splicing suggest that this variant is not likely to affect RNA splicing. In summary, the available evidence is currently insufficient to determine the role of this variant in disease. Therefore, it has been classified as a Variant of Uncertain Significance.

Literature cited by the submitters: PubMed 17576681 (cited by Labcorp Genetics (formerly Invitae), Labcorp); PubMed 9536098 (cited by Labcorp Genetics (formerly Invitae), Labcorp).

NM_001365999.1(SZT2):c.4166+4A>G

Gene: SZT2 (SZT2 subunit of KICSTOR complex; plus strand). Cytogenetic location: 1p34.2.
Variant type: single nucleotide variant.
Coding change: c.4166+4A>G on transcript NM_001365999.1 (MANE Select); 4 bases into the intron after coding-DNA position 4166, A replaced by G.
Molecular consequence: intron variant.
Genome position (GRCh38, 1-based): chr1:43,428,490, A>G. VCF-style: chr1-43428490-A-G. GRCh37 (hg19) VCF-style: chr1-43894161-A-G.
Other names: c.3995+4A>G (NM_015284.4).
Identifiers: ClinVar variation 851306 (VCV000851306.6), dbSNP rs184298720, ClinGen allele CA809194.